The following is an entry in ClinVar:

NM_001292063.2(OTOG):c.5095G>A (p.Val1699Met)

Gene: OTOG (otogelin; plus strand). Cytogenetic location: 11p15.1.
Variant type: single nucleotide variant.
Coding change: c.5095G>A on transcript NM_001292063.2 (MANE Select); coding-DNA position 5095, G replaced by A.
Protein change: p.Val1699Met; replaces valine 1699 with methionine.
Molecular consequence: missense variant.
Genome position (GRCh38, 1-based): chr11:17,610,395, G>A. VCF-style: chr11-17610395-G-A. GRCh37 (hg19) VCF-style: chr11-17631942-G-A.
Other names: c.5131G>A, p.Val1711Met (NM_001277269.2); short protein forms V1699M, V1711M.
Identifiers: ClinVar variation 5037725 (VCV005037725.1).

ClinVar aggregate classification (germline): Uncertain significance (1 of 4 stars; one submission).

gnomAD v4.1: 8 of 1,550,358 alleles (0.00052%); highest among the groups gnomAD compares: Non-Finnish European, 0.0007%; no homozygotes.

Submission:

GeneDx
Classification: Uncertain significance. Last evaluated: 2026-04-23. Review status: criteria provided, single submitter. Criteria: GeneDx Variant Classification Process June 2021. Collection method: clinical testing. Allele origin: germline.
Comment: Not observed at significant frequency in large population cohorts (gnomAD); In silico analysis suggests that this missense variant does not alter protein structure/function; Has not been previously published as pathogenic or benign to our knowledge